The following is an entry in ClinVar:

NM_003647.3(DGKE):c.1679A>G (p.Gln560Arg)

Gene: DGKE (diacylglycerol kinase epsilon; plus strand). Cytogenetic location: 17q22.
Variant type: single nucleotide variant.
Coding change: c.1679A>G on transcript NM_003647.3 (MANE Select); coding-DNA position 1679, A replaced by G.
Protein change: p.Gln560Arg; replaces glutamine 560 with arginine.
Molecular consequence: missense variant.
Genome position (GRCh38, 1-based): chr17:56,862,766, A>G. VCF-style: chr17-56862766-A-G. GRCh37 (hg19) VCF-style: chr17-54940127-A-G.
Other names: p.Gln560Arg; c.1679A>G (NM_003647.2); short protein forms Q560R.
Identifiers: ClinVar variation 289334 (VCV000289334.30), dbSNP rs61751972, ClinGen allele CA8663875.

ClinVar aggregate classification (germline): Conflicting classifications of pathogenicity. Review status: criteria provided, conflicting classifications (1 of 4 stars). 12 submissions from 12 submitters: Uncertain significance (1); Benign (1); Likely benign (7). 3 of the submissions do not count toward it. Last evaluated 2026-05-11.

Conditions:
Mesangiocapillary glomerulonephritis. Also called: Membranoproliferative glomerulonephritis. Identifiers: MedGen C0017662, MONDO:0002461, HP:0000793.
Immunoglobulin-mediated membranoproliferative glomerulonephritis. Also called: Nephrotic syndrome, type 7; NEPHROTIC SYNDROME, TYPE 7, WITH MEMBRANOPROLIFERATIVE GLOMERULONEPHRITIS. Identifiers: Orphanet 329903, MedGen C3554330, MONDO:0014005, OMIM 615008.
DGKE-related disorder. Also called: DGKE-related condition.

Allele frequency attached by ClinVar (database versions not stated): 1000 Genomes Project 30x 0.00062; 1000 Genomes Project 0.00080; TOPMed 0.00172; ESP Exome Variant Server 0.00177; gnomAD exomes 0.00181 and 0.00306; gnomAD 0.00190; ExAC 0.00195.

Submissions (12):

PreventionGenetics, part of Exact Sciences
Classification: Likely benign for DGKE-related condition. Last evaluated: 2026-05-11. Review status: criteria provided, single submitter. Criteria: ACMG Guidelines, 2015. Collection method: clinical testing. Allele origin: germline.
Comment: This variant is classified as likely benign based on ACMG/AMP sequence variant interpretation guidelines (Richards et al. 2015 PMID: 25741868, with internal and published modifications).

Labcorp Genetics (formerly Invitae), Labcorp
Classification: Benign. Last evaluated: 2026-01-15. Review status: criteria provided, single submitter. Criteria: Invitae Variant Classification Sherloc (09022015). Collection method: clinical testing. Allele origin: germline.

Genomenon, Inc
Classification: Likely benign for Primary membranoproliferative glomerulonephritis. Last evaluated: 2025-09-26. Review status: criteria provided, single submitter. Criteria: Genomenon Sequence Variant Interpretation Standards - Updated. Collection method: curation. Allele origin: germline. Affected: no.
Comment: DGKE p.Gln560Arg (c.1679A>G) is a missense variant that changes the amino acid at residue 560 from Glutamine to Arginine. This variant has been reported in the published literature (PMID:28720077;37744338;34177949;37466676;35507148). In silico models agree that this variant is not damaging. This variant’s allele frequency in gnomAD is greater than expected for this disorder. In conclusion, we classify DGKE p.Gln560Arg (c.1679A>G) as a likely benign variant.

Mayo Clinic Laboratories, Mayo Clinic
Classification: Likely benign. Last evaluated: 2025-08-22. Review status: criteria provided, single submitter. Criteria: ACMG Guidelines, 2015. Collection method: clinical testing. Allele origin: germline. Observed: 9 variant alleles.
Comment: BS1, BP4

CeGaT Center for Human Genetics Tuebingen
Classification: Likely benign. Last evaluated: 2025-04-01. Review status: criteria provided, single submitter. Criteria: CeGaT Center For Human Genetics Tuebingen Variant Classification Criteria Version 2. Collection method: clinical testing. Allele origin: germline. Affected: yes. Observed: 1 variant allele.
Comment: DGKE: BP4, BS1

Blueprint Genetics
Classification: Likely benign. Last evaluated: 2024-11-27. Review status: criteria provided, single submitter. Criteria: ACMG Guidelines, 2015. Collection method: clinical testing. Allele origin: germline.

Women's Health and Genetics/Laboratory Corporation of America, LabCorp
Classification: Likely benign. Last evaluated: 2024-05-03. Review status: criteria provided, single submitter. Criteria: LabCorp Variant Classification Summary - May 2015. Collection method: clinical testing. Allele origin: germline.
Comment: Variant summary: DGKE c.1679A>G (p.Gln560Arg) results in a conservative amino acid change in the encoded protein sequence. Five of five in-silico tools predict a benign effect of the variant on protein function. The variant allele was found at a frequency of 0.0018 in 221064 control chromosomes, predominantly at a frequency of 0.0034 within the Non-Finnish European subpopulation in the gnomAD database. The observed variant frequency within Non-Finnish European control individuals in the gnomAD database is approximately 27 fold of the estimated maximal expected allele frequency for a pathogenic variant in DGKE causing Genetic Atypical Hemolytic Uremic Syndrome phenotype (0.00013), strongly suggesting that the variant is a benign polymorphism found primarily in populations of Non-Finnish European origin. c.1679A>G has been reported in the literature in individuals affected with genetic atypical hemolytic uremic syndrome without strong evidence of causality (e.g. Alge_2017, Connaughton_2023) . These report(s) do not provide unequivocal conclusions about association of the variant with Genetic Atypical Hemolytic Uremic Syndrome. To our knowledge, no experimental evidence demonstrating an impact on protein function has been reported. The following publications have been ascertained in the context of this evaluation (PMID: 28720077, 37466676). ClinVar contains an entry for this variant (Variation ID: 289334). Based on the evidence outlined above, the variant was classified as likely benign.

Molecular Genetics, Royal Melbourne Hospital
Classification: Likely benign for Immunoglobulin-mediated membranoproliferative glomerulonephritis. Last evaluated: 2023-06-15. Review status: criteria provided, single submitter. Criteria: ACMG Guidelines, 2015. Collection method: clinical testing. Allele origin: germline. Inheritance: Autosomal recessive inheritance. Affected: no.

Eurofins Ntd Llc (ga)
Classification: Uncertain significance. Last evaluated: 2016-08-11. Review status: criteria provided, single submitter. Criteria: EGL Classification Definitions 2015. Collection method: clinical testing. Allele origin: germline. Observed: 1 variant allele, 1 heterozygote.

Clinical Genetics DNA and cytogenetics Diagnostics Lab, Erasmus MC, Erasmus Medical Center
Classification: Likely benign. Review status: no assertion criteria provided. Collection method: clinical testing. Allele origin: germline. Affected: yes. Study: VKGL Data-share Consensus. Not counted in ClinVar's aggregate classification.

Genome Diagnostics Laboratory, University Medical Center Utrecht
Classification: Likely benign. Review status: no assertion criteria provided. Collection method: clinical testing. Allele origin: germline. Affected: yes. Study: VKGL Data-share Consensus. Not counted in ClinVar's aggregate classification.

Joint Genome Diagnostic Labs from Nijmegen and Maastricht, Radboudumc and MUMC+
Classification: Likely benign. Review status: no assertion criteria provided. Collection method: clinical testing. Allele origin: germline. Affected: yes. Study: VKGL Data-share Consensus. Not counted in ClinVar's aggregate classification.

Literature cited by the submitters: PubMed 28720077 (cited by Genomenon, Inc and Women's Health and Genetics/Laboratory Corporation of America, LabCorp); PubMed 37744338 (cited by Genomenon, Inc); PubMed 34177949 (cited by Genomenon, Inc); PubMed 37466676 (cited by 3 submitters); PubMed 35507148 (cited by Genomenon, Inc).